The following is an entry in ClinVar:

NM_005996.4(TBX3):c.1087G>A (p.Glu363Lys)

Gene: TBX3 (T-box transcription factor 3; minus strand). Cytogenetic location: 12q24.21.
Variant type: single nucleotide variant.
Coding change: c.1087G>A on transcript NM_005996.4 (MANE Select); coding-DNA position 1087, G replaced by A.
Protein change: p.Glu363Lys; replaces glutamic acid 363 with lysine.
Molecular consequence: missense variant.
Genome position (GRCh38, 1-based): chr12:114,674,788, C>T on the plus strand (G>A on the coding strand, the complement: TBX3 is on the minus strand). VCF-style: chr12-114674788-C-T. GRCh37 (hg19) VCF-style: chr12-115112593-C-T.
Other names: c.1147G>A, p.Glu383Lys (NM_016569.4); c.1087G>A (NM_005996.3); short protein forms E363K, E383K.
Identifiers: ClinVar variation 2012012 (VCV002012012.5), dbSNP rs2499788177, ClinGen allele CA386869645.

ClinVar aggregate classification (germline): Uncertain significance. Review status: criteria provided, multiple submitters, no conflicts (2 of 4 stars). 2 submissions from 2 submitters: Uncertain significance (2). Last evaluated 2026-03-23.

Conditions:
Ulnar-mammary syndrome (UMS). Also called: SCHINZEL SYNDROME; Ulnar-mammary syndrome of Pallister; PALLISTER ULNAR-MAMMARY SYNDROME. Identifiers: Orphanet 3138, MedGen C1866994, MONDO:0008411, OMIM 181450.

Allele frequency attached by ClinVar (database versions not stated): gnomAD exomes below 0.00001.

Submissions (2):

GeneDx
Classification: Uncertain significance. Last evaluated: 2026-03-23. Review status: criteria provided, single submitter. Criteria: GeneDx Variant Classification Process June 2021. Collection method: clinical testing. Allele origin: germline.
Comment: Not observed at significant frequency in large population cohorts (gnomAD); In silico analysis suggests that this missense variant does not alter protein structure/function; Has not been previously published as pathogenic or benign to our knowledge

Labcorp Genetics (formerly Invitae), Labcorp
Classification: Uncertain significance for Ulnar-mammary syndrome. Last evaluated: 2022-08-02. Review status: criteria provided, single submitter. Criteria: Invitae Variant Classification Sherloc (09022015). Collection method: clinical testing. Allele origin: germline.
Comment: In summary, the available evidence is currently insufficient to determine the role of this variant in disease. Therefore, it has been classified as a Variant of Uncertain Significance. Algorithms developed to predict the effect of missense changes on protein structure and function are either unavailable or do not agree on the potential impact of this missense change (SIFT: "Deleterious"; PolyPhen-2: "Benign"; Align-GVGD: "Class C0"). This variant has not been reported in the literature in individuals affected with TBX3-related conditions. This variant is not present in population databases (gnomAD no frequency). This sequence change replaces glutamic acid, which is acidic and polar, with lysine, which is basic and polar, at codon 363 of the TBX3 protein (p.Glu363Lys).